The following is an entry in ClinVar:

ClinVar aggregate classification (germline): Benign. Review status: criteria provided, multiple submitters, no conflicts (2 of 4 stars). 2 submissions from 2 submitters: Benign (2). Last evaluated 2025-04-01.

Conditions:
Gaze palsy, familial horizontal, with progressive scoliosis 1 (HGPPS1). Identifiers: Orphanet 2744, MedGen C4551964, MONDO:0020790, OMIM 607313.

Allele frequency attached by ClinVar (database versions not stated): gnomAD 0.00002; TOPMed 0.00006; 1000 Genomes Project 30x 0.00297; 1000 Genomes Project 0.00300.

Submissions (2):

CeGaT Center for Human Genetics Tuebingen
Classification: Benign. Last evaluated: 2025-04-01. Review status: criteria provided, single submitter. Criteria: CeGaT Center For Human Genetics Tuebingen Variant Classification Criteria Version 2. Collection method: clinical testing. Allele origin: germline. Affected: yes. Observed: 1 variant allele.
Comment: ROBO3: BP4, BP7, BS1, BS2

Illumina Laboratory Services, Illumina
Classification: Benign for Gaze palsy, familial horizontal, with progressive scoliosis 1. Last evaluated: 2018-01-12. Review status: criteria provided, single submitter. Criteria: ICSL Variant Classification Criteria 13 December 2019. Collection method: clinical testing. Allele origin: germline.
Comment: This variant was observed in the ICSL laboratory as part of a predisposition screen in an ostensibly healthy population. It had not been previously curated by ICSL or reported in the Human Gene Mutation Database (HGMD: prior to June 1st, 2018), and was therefore a candidate for classification through an automated scoring system. Utilizing variant allele frequency, disease prevalence and penetrance estimates, and inheritance mode, an automated score was calculated to assess if this variant is too frequent to cause the disease. Based on the score and internal cut-off values, a variant classified as benign is not then subjected to further curation. The score for this variant resulted in a classification of benign for this disease.

NM_022370.4(ROBO3):c.3300G>A (p.Pro1100=)

Gene: ROBO3 (roundabout guidance receptor 3; plus strand). Cytogenetic location: 11q24.2.
Variant type: single nucleotide variant.
Coding change: c.3300G>A on transcript NM_022370.4 (MANE Select); coding-DNA position 3300, G replaced by A.
Protein change: p.Pro1100=; no amino-acid change (proline 1100 retained).
Molecular consequence: synonymous variant. On other transcripts: non-coding transcript variant (4).
Genome position (GRCh38, 1-based): chr11:124,878,416, G>A. VCF-style: chr11-124878416-G-A. GRCh37 (hg19) VCF-style: chr11-124748312-G-A.
Other names: c.447G>A, p.Pro149= (NM_001370356.1, NM_001370357.1, NM_001370358.1 and 2 more transcripts); c.252G>A, p.Pro84= (NM_001370364.1, NM_001370366.1).
Identifiers: ClinVar variation 303268 (VCV000303268.12), dbSNP rs550792725, ClinGen allele CA6344102.